The following is an entry in ClinVar:

NM_032119.4(ADGRV1):c.8572A>G (p.Ile2858Val)

Gene: ADGRV1 (adhesion G protein-coupled receptor V1; plus strand). Cytogenetic location: 5q14.3.
Variant type: single nucleotide variant.
Coding change: c.8572A>G on transcript NM_032119.4 (MANE Select); coding-DNA position 8572, A replaced by G.
Protein change: p.Ile2858Val; replaces isoleucine 2858 with valine.
Molecular consequence: missense variant. On other transcripts: non-coding transcript variant (1).
Genome position (GRCh38, 1-based): chr5:90,706,236, A>G. VCF-style: chr5-90706236-A-G. GRCh37 (hg19) VCF-style: chr5-90002053-A-G.
Other names: short protein forms I2858V.
Identifiers: ClinVar variation 46393 (VCV000046393.41), dbSNP rs41308297, ClinGen allele CA138249.

ClinVar aggregate classification (germline): Conflicting classifications of pathogenicity. Review status: criteria provided, conflicting classifications (1 of 4 stars). 14 submissions from 14 submitters: Uncertain significance (3); Benign (1); Likely benign (6). 4 of the submissions do not count toward it. Last evaluated 2026-07-01.

Conditions:
ADGRV1-related disorder. Also called: ADGRV1-related disorders; ADGRV1-related condition.
Craniosynostosis syndrome. Also called: Craniosynostosis. Identifiers: Orphanet 1531, MedGen C0010278, MeSH D003398, MONDO:0015469, HP:0001363.
Usher syndrome type 2C. Also called: Usher syndrome, type 2B; USHER SYNDROME, TYPE IIC. Identifiers: Orphanet 231178, Orphanet 886, MedGen C2931213, MONDO:0011558, OMIM 605472.

Allele frequency attached by ClinVar (database versions not stated): TOPMed 0.00085; gnomAD 0.00088 and 0.00083; ESP Exome Variant Server 0.00118; gnomAD exomes 0.00195 and 0.00099; 1000 Genomes Project 30x 0.00016; 1000 Genomes Project 0.00020; ExAC 0.00092.
gnomAD v4.1: 2,902 of 1,605,208 alleles (0.18%); highest among the groups gnomAD compares: Non-Finnish European, 0.23%; 7 homozygotes.

Submissions (14):

CeGaT Center for Human Genetics Tuebingen
Classification: Likely benign. Last evaluated: 2026-07-01. Review status: criteria provided, single submitter. Criteria: CeGaT Center For Human Genetics Tuebingen Variant Classification Criteria Version 2. Collection method: clinical testing. Allele origin: germline. Affected: yes. Observed: 3 variant alleles.
Comment: ADGRV1: BP4

Labcorp Genetics (formerly Invitae), Labcorp
Classification: Likely benign. Last evaluated: 2026-02-04. Review status: criteria provided, single submitter. Criteria: Invitae Variant Classification Sherloc (09022015). Collection method: clinical testing. Allele origin: germline.

Blueprint Genetics
Classification: Likely benign. Last evaluated: 2024-10-30. Review status: criteria provided, single submitter. Criteria: ACMG Guidelines, 2015. Collection method: clinical testing. Allele origin: germline.

Athena Diagnostics
Classification: Likely benign. Last evaluated: 2024-04-05. Review status: criteria provided, single submitter. Criteria: Athena Diagnostics Criteria. Collection method: clinical testing. Allele origin: unknown.

GeneDx
Classification: Benign. Last evaluated: 2019-09-12. Review status: criteria provided, single submitter. Criteria: GeneDx Variant Classification Process June 2021. Collection method: clinical testing. Allele origin: germline. Affected: yes.

Cambridge Genomics Laboratory, East Genomic Laboratory Hub, NHS Genomic Medicine Service
Classification: Likely benign for Craniosynostosis syndrome. Last evaluated: 2019-04-17. Review status: criteria provided, single submitter. Criteria: ACGS Best Practice Guidelines for Variant Classification in Rare Disease 2020. Collection method: clinical testing. Allele origin: germline. Affected: yes. Observed: 1 variant allele.

Illumina Laboratory Services, Illumina
Classification: Uncertain significance for Usher syndrome type 2C. Last evaluated: 2018-01-13. Review status: criteria provided, single submitter. Criteria: ICSL Variant Classification Criteria 13 December 2019. Collection method: clinical testing. Allele origin: germline.

Center for Pediatric Genomic Medicine, Children's Mercy Hospital and Clinics
Classification: Uncertain significance. Last evaluated: 2017-07-06. Review status: criteria provided, single submitter. Criteria: ACMG Guidelines, 2015. Collection method: clinical testing. Allele origin: germline.

Eurofins Ntd Llc (ga)
Classification: Uncertain significance. Last evaluated: 2017-05-15. Review status: criteria provided, single submitter. Criteria: EGL Classification Definitions 2015. Collection method: clinical testing. Allele origin: germline. Observed: 3 variant alleles, 3 heterozygotes.

Laboratory for Molecular Medicine, Mass General Brigham Personalized Medicine
Classification: Likely benign. Last evaluated: 2016-07-07. Review status: criteria provided, single submitter. Criteria: LMM Criteria. Collection method: clinical testing. Allele origin: germline. Observed: 2 variant alleles.
Comment: p.Ile2858Val in exon 38 of GPR98: This variant is not expected to have clinical significance because the isoleucine (Ile) at position 2858 is not conserved thro ugh species with 8 mammals having a valine (Val) at this position. In addition, this variant has been identified in 0.1% (91/65792) of European chromosomes an d in 0.2% (15/6590) of Finnish chromosomes by the Exome Aggregation Consortium ( ExAC; dbSNP rs41308297).

PreventionGenetics, part of Exact Sciences
Classification: Likely benign for ADGRV1-related condition. Last evaluated: 2022-02-11. Review status: no assertion criteria provided. Collection method: clinical testing. Allele origin: germline. Not counted in ClinVar's aggregate classification.
Comment: This variant is classified as likely benign based on ACMG/AMP sequence variant interpretation guidelines (Richards et al. 2015 PMID: 25741868, with internal and published modifications).

Clinical Genetics DNA and cytogenetics Diagnostics Lab, Erasmus MC, Erasmus Medical Center
Classification: Likely benign. Review status: no assertion criteria provided. Collection method: clinical testing. Allele origin: germline. Affected: yes. Study: VKGL Data-share Consensus. Not counted in ClinVar's aggregate classification.

Clinical Genetics, Academic Medical Center
Classification: Benign. Review status: no assertion criteria provided. Collection method: clinical testing. Allele origin: germline. Affected: yes. Study: VKGL Data-share Consensus. Not counted in ClinVar's aggregate classification.

Genome Diagnostics Laboratory, University Medical Center Utrecht
Classification: Likely benign. Review status: no assertion criteria provided. Collection method: clinical testing. Allele origin: germline. Affected: yes. Study: VKGL Data-share Consensus. Not counted in ClinVar's aggregate classification.

Literature cited by the submitters: PubMed 24476948 (cited by Athena Diagnostics).